The following is an entry in ClinVar:

ClinVar aggregate classification (germline): Uncertain significance (1 of 4 stars; one submission).

Submission:

GeneDx
Classification: Uncertain significance. Last evaluated: 2023-07-25. Review status: criteria provided, single submitter. Criteria: GeneDx Variant Classification Process June 2021. Collection method: clinical testing. Allele origin: germline. Affected: yes.
Comment: Not observed at significant frequency in large population cohorts (gnomAD); In silico analysis supports that this missense variant does not alter protein structure/function; Has not been previously published as pathogenic or benign to our knowledge

NM_001374828.1(ARID1B):c.2812A>G (p.Ser938Gly)

Gene: ARID1B (AT-rich interaction domain 1B; plus strand). Cytogenetic location: 6q25.3.
Variant type: single nucleotide variant.
Coding change: c.2812A>G on transcript NM_001374828.1 (MANE Select); coding-DNA position 2812, A replaced by G.
Protein change: p.Ser938Gly; replaces serine 938 with glycine.
Molecular consequence: missense variant.
Genome position (GRCh38, 1-based): chr6:157,148,674, A>G. VCF-style: chr6-157148674-A-G. GRCh37 (hg19) VCF-style: chr6-157469808-A-G.
Other names: c.2602A>G (NM_020732.3); c.313A>G, p.Ser105Gly (NM_001363725.2); c.2851A>G, p.Ser951Gly (NM_001371656.1, NM_001374820.1); c.2812A>G, p.Ser938Gly (NM_017519.3); short protein forms S105G, S938G, S951G.
Identifiers: ClinVar variation 3361729 (VCV003361729.1).